The following is an entry in ClinVar:

NM_000709.4(BCKDHA):c.995+2T>C

Gene: BCKDHA (branched chain keto acid dehydrogenase E1 subunit alpha; plus strand). Cytogenetic location: 19q13.2.
Variant type: single nucleotide variant.
Coding change: c.995+2T>C on transcript NM_000709.4 (MANE Select); the canonical splice donor site of the intron after coding-DNA position 995, T replaced by C.
Molecular consequence: splice donor variant.
Genome position (GRCh38, 1-based): chr19:41,422,772, T>C. VCF-style: chr19-41422772-T-C. GRCh37 (hg19) VCF-style: chr19-41928677-T-C.
Other names: c.992+2T>C (NM_001164783.2).
Identifiers: ClinVar variation 2712965 (VCV002712965.3), dbSNP rs2513460625, ClinGen allele CA406013559.

ClinVar aggregate classification (germline): Likely pathogenic (1 of 4 stars; one submission).

Conditions:
Maple syrup urine disease (MSUD). Identifiers: Orphanet 511, MedGen C0024776, MeSH D008375, MONDO:0009563. Disease mechanism: loss of function.

Submission:

Labcorp Genetics (formerly Invitae), Labcorp
Classification: Likely pathogenic for Maple syrup urine disease. Last evaluated: 2023-06-14. Review status: criteria provided, single submitter. Criteria: Invitae Variant Classification Sherloc (09022015). Collection method: clinical testing. Allele origin: germline.
Comment: This sequence change affects a donor splice site in intron 7 of the BCKDHA gene. It is expected to disrupt RNA splicing. Variants that disrupt the donor or acceptor splice site typically lead to a loss of protein function (PMID: 16199547), and loss-of-function variants in BCKDHA are known to be pathogenic (PMID: 16786533, 22593002). This variant is not present in population databases (gnomAD no frequency). This variant has not been reported in the literature in individuals affected with BCKDHA-related conditions. Algorithms developed to predict the effect of sequence changes on RNA splicing suggest that this variant may disrupt the consensus splice site. In summary, the currently available evidence indicates that the variant is pathogenic, but additional data are needed to prove that conclusively. Therefore, this variant has been classified as Likely Pathogenic.

Literature cited by the submitters: PubMed 16199547; PubMed 16786533; PubMed 22593002.